The following is an entry in ClinVar:

NM_022726.4(ELOVL4):c.426_427del (p.Phe145fs)

Gene: ELOVL4 (ELOVL fatty acid elongase 4; minus strand). Cytogenetic location: 6q14.1.
Variant type: Deletion.
Coding change: c.426_427del on transcript NM_022726.4 (MANE Select); coding-DNA positions 426 to 427, 2 bases deleted (AG; older notation c.426_427delAG).
Protein change: p.Phe145fs; shifts the reading frame from phenylalanine 145.
Molecular consequence: frameshift variant.
Genome position (GRCh38, 1-based): chr6:79,921,739-79,921,740, CT deleted on the plus strand (AG on the coding strand, the reverse complement: ELOVL4 is on the minus strand). VCF-style (leftmost placement, unchanged base first): chr6-79921738-ACT-A. GRCh37 (hg19) VCF-style: chr6-80631455-ACT-A.
Other names: short protein forms F145fs.
Identifiers: ClinVar variation 4720707 (VCV004720707.1).

ClinVar aggregate classification (germline): Pathogenic (1 of 4 stars; one submission).

Submission:

Labcorp Genetics (formerly Invitae), Labcorp
Classification: Pathogenic. Last evaluated: 2025-06-03. Review status: criteria provided, single submitter. Criteria: Invitae Variant Classification Sherloc (09022015). Collection method: clinical testing. Allele origin: germline.
Comment: This sequence change creates a premature translational stop signal (p.Phe145Tyrfs*29) in the ELOVL4 gene. It is expected to result in an absent or disrupted protein product. Loss-of-function variants in ELOVL4 are known to be pathogenic (PMID: 24571530). This variant is not present in population databases (gnomAD no frequency). This variant has not been reported in the literature in individuals affected with ELOVL4-related conditions. For these reasons, this variant has been classified as Pathogenic.

Literature cited by the submitters: PubMed 24571530.